The following is an entry in ClinVar:

NM_001291303.3(FAT4):c.4486G>A (p.Val1496Ile)

Gene: FAT4 (FAT atypical cadherin 4; plus strand). Cytogenetic location: 4q28.1.
Variant type: single nucleotide variant.
Coding change: c.4486G>A on transcript NM_001291303.3 (MANE Select); coding-DNA position 4486, G replaced by A.
Protein change: p.Val1496Ile; replaces valine 1496 with isoleucine.
Molecular consequence: missense variant.
Genome position (GRCh38, 1-based): chr4:125,320,897, G>A. VCF-style: chr4-125320897-G-A. GRCh37 (hg19) VCF-style: chr4-126242052-G-A.
Other names: c.4486G>A, p.Val1496Ile (NM_001291285.3, NM_024582.6); short protein forms V1496I.
Identifiers: ClinVar variation 2795002 (VCV002795002.1), dbSNP rs757408970, ClinGen allele CA3072471.

ClinVar aggregate classification (germline): Uncertain significance (1 of 4 stars; one submission).

Allele frequency attached by ClinVar (database versions not stated): gnomAD exomes below 0.00001; TOPMed below 0.00001; ExAC 0.00001.
gnomAD v4.1: 1 of 1,614,154 alleles (0.000062%); highest among the groups gnomAD compares: East Asian, 0.0022%; no homozygotes.

Submission:

Labcorp Genetics (formerly Invitae), Labcorp
Classification: Uncertain significance. Last evaluated: 2023-04-04. Review status: criteria provided, single submitter. Criteria: Invitae Variant Classification Sherloc (09022015). Collection method: clinical testing. Allele origin: germline.
Comment: In summary, the available evidence is currently insufficient to determine the role of this variant in disease. Therefore, it has been classified as a Variant of Uncertain Significance. Advanced modeling of protein sequence and biophysical properties (such as structural, functional, and spatial information, amino acid conservation, physicochemical variation, residue mobility, and thermodynamic stability) performed at Invitae indicates that this missense variant is not expected to disrupt FAT4 protein function. This variant has not been reported in the literature in individuals affected with FAT4-related conditions. This variant is present in population databases (rs757408970, gnomAD 0.006%). This sequence change replaces valine, which is neutral and non-polar, with isoleucine, which is neutral and non-polar, at codon 1496 of the FAT4 protein (p.Val1496Ile).